The following is an entry in ClinVar:

NM_015338.6(ASXL1):c.4127G>A (p.Gly1376Asp)

Gene: ASXL1 (ASXL transcriptional regulator 1; plus strand). Cytogenetic location: 20q11.21.
Variant type: single nucleotide variant.
Coding change: c.4127G>A on transcript NM_015338.6 (MANE Select); coding-DNA position 4127, G replaced by A.
Protein change: p.Gly1376Asp; replaces glycine 1376 with aspartic acid.
Molecular consequence: missense variant.
Genome position (GRCh38, 1-based): chr20:32,436,839, G>A. VCF-style: chr20-32436839-G-A. GRCh37 (hg19) VCF-style: chr20-31024642-G-A.
Other names: c.3944G>A, p.Gly1315Asp (NM_001363734.1); short protein forms G1315D, G1376D.
Identifiers: ClinVar variation 3699654 (VCV003699654.2).

ClinVar aggregate classification (germline): Uncertain significance (1 of 4 stars; one submission).

gnomAD v4.1: 16 of 1,614,056 alleles (0.00099%); highest among the groups gnomAD compares: East Asian, 0.0022%; no homozygotes.

Submission:

Labcorp Genetics (formerly Invitae), Labcorp
Classification: Uncertain significance. Last evaluated: 2024-04-11. Review status: criteria provided, single submitter. Criteria: Invitae Variant Classification Sherloc (09022015). Collection method: clinical testing. Allele origin: germline.
Comment: This sequence change replaces glycine, which is neutral and non-polar, with aspartic acid, which is acidic and polar, at codon 1376 of the ASXL1 protein (p.Gly1376Asp). This variant is present in population databases (no rsID available, gnomAD 0.03%). This variant has not been reported in the literature in individuals affected with ASXL1-related conditions. Algorithms developed to predict the effect of missense changes on protein structure and function output the following: SIFT: "Not Available"; PolyPhen-2: "Benign"; Align-GVGD: "Not Available". The aspartic acid amino acid residue is found in multiple mammalian species, which suggests that this missense change does not adversely affect protein function. In summary, the available evidence is currently insufficient to determine the role of this variant in disease. Therefore, it has been classified as a Variant of Uncertain Significance.